The following is an entry in ClinVar:

ClinVar aggregate classification (germline): Uncertain significance (1 of 4 stars; one submission).

Conditions:
Hereditary cancer-predisposing syndrome. Also called: Hereditary Cancer Syndrome; Hereditary neoplastic syndrome; Neoplastic Syndromes, Hereditary; Tumor predisposition. Identifiers: Orphanet 140162, MedGen C0027672, MeSH D009386, MONDO:0015356.

Submission:

Ambry Genetics
Classification: Uncertain significance for Hereditary cancer-predisposing syndrome. Last evaluated: 2022-07-01. Review status: criteria provided, single submitter. Criteria: Ambry Variant Classification Scheme 2023. Collection method: clinical testing. Allele origin: germline.
Comment: The p.D436N variant (also known as c.1306G>A), located in coding exon 6 of the BLM gene, results from a G to A substitution at nucleotide position 1306. The aspartic acid at codon 436 is replaced by asparagine, an amino acid with highly similar properties. This amino acid position is conserved. In addition, this alteration is predicted to be tolerated by in silico analysis. Since supporting evidence is limited at this time, the clinical significance of this alteration remains unclear.

NM_000057.4(BLM):c.1306G>A (p.Asp436Asn)

Gene: BLM (BLM RecQ like helicase; plus strand). Cytogenetic location: 15q26.1.
Variant type: single nucleotide variant.
Coding change: c.1306G>A on transcript NM_000057.4 (MANE Select); coding-DNA position 1306, G replaced by A.
Protein change: p.Asp436Asn; replaces aspartic acid 436 with asparagine.
Molecular consequence: missense variant.
Genome position (GRCh38, 1-based): chr15:90,760,679, G>A. VCF-style: chr15-90760679-G-A. GRCh37 (hg19) VCF-style: chr15-91303909-G-A.
Other names: c.1306G>A, p.Asp436Asn (NM_001287246.2, NM_001287247.2); c.181G>A, p.Asp61Asn (NM_001287248.2); short protein forms D61N, D436N.
Identifiers: ClinVar variation 1769529 (VCV001769529.2), dbSNP rs2505424501, ClinGen allele CA393842773.